The following is an entry in ClinVar:

NM_004366.6(CLCN2):c.1084A>T (p.Lys362Ter)

Gene: CLCN2 (chloride voltage-gated channel 2; minus strand). Cytogenetic location: 3q27.1.
Variant type: single nucleotide variant.
Coding change: c.1084A>T on transcript NM_004366.6 (MANE Select); coding-DNA position 1084, A replaced by T.
Protein change: p.Lys362Ter; replaces lysine 362 with a stop codon.
Molecular consequence: nonsense.
Genome position (GRCh38, 1-based): chr3:184,356,994, T>A on the plus strand (A>T on the coding strand, the complement: CLCN2 is on the minus strand). VCF-style: chr3-184356994-T-A. GRCh37 (hg19) VCF-style: chr3-184074782-T-A.
Other names: c.1084A>T, p.Lys362Ter (NM_001171087.3, NM_001171089.3); c.952A>T, p.Lys318Ter (NM_001171088.3); short protein forms K362*, K318*.
Identifiers: ClinVar variation 441167 (VCV000441167.3), dbSNP rs1553856214, ClinGen allele CA355453812.
Genomic context (GRCh38, chr3:184,356,994, plus strand): 5'-ACCTACTGTGGCCCTTATACAACTCAAAGCAGCCTGGAGAGGAGCCGAGAGCCACTCACT[T>A]CCTCATGAGGAAGCGATTGATGGTTTTCTGCTTCCGCATCACCTGGACAATCTTCCGGTT-3'

ClinVar aggregate classification (germline): Pathogenic (0 of 4 stars; one submission).

Conditions:
Familial hyperaldosteronism type II. Also called: FH II. Identifiers: Orphanet 404, MedGen C1854107, MONDO:0011576, OMIM 605635.

Submission:

Ute Scholl Laboratory, Heinrich Heine University Duesseldorf
Classification: Pathogenic for Familial hyperaldosteronism type II. Last evaluated: 2017-09-25. Review status: no assertion criteria provided. Collection method: research, in vitro. Allele origin: germline. Inheritance: Autosomal unknown. Affected: yes. Observed: 1 variant allele, 1 heterozygote. Functional consequence: protein gain of function.
Comment: Four independent occurrences of CLCN2 p.Arg172Gln, significant burden of rare variants in CLCN2 in early-onset primary aldosteronism (two de novo), localization of CLCN2 in adrenal zona glomerulosa, electrophysiologic impact of mutant channels and effect on aldosterone synthase expression